The following is an entry in ClinVar:

NM_002386.4(MC1R):c.241G>T (p.Ala81Ser)

Gene: MC1R (melanocortin 1 receptor; plus strand). Cytogenetic location: 16q24.3.
Variant type: single nucleotide variant.
Coding change: c.241G>T on transcript NM_002386.4 (MANE Select); coding-DNA position 241, G replaced by T.
Protein change: p.Ala81Ser; replaces alanine 81 with serine.
Molecular consequence: missense variant.
Genome position (GRCh38, 1-based): chr16:89,919,499, G>T. VCF-style: chr16-89919499-G-T. GRCh37 (hg19) VCF-style: chr16-89985907-G-T.
Other names: short protein forms A81S.
Identifiers: ClinVar variation 4052396 (VCV004052396.1).
Genomic context (GRCh38, chr16:89,919,499, plus strand): 5'-GCCACCATCGCCAAGAACCGGAACCTGCACTCACCCATGTACTGCTTCATCTGCTGCCTG[G>T]CCTTGTCGGACCTGCTGGTGAGCGGGAGCAACGTGCTGGAGACGGCCGTCATCCTCCTGC-3'
Protein context (NP_002377.4, residues 71-91): SPMYCFICCL[Ala81Ser]LSDLLVSGSN

ClinVar aggregate classification (germline): Uncertain significance (1 of 4 stars; one submission).

Submission:

Ambry Genetics
Classification: Uncertain significance. Last evaluated: 2025-03-28. Review status: criteria provided, single submitter. Criteria: Ambry Variant Classification Scheme 2023. Collection method: clinical testing. Allele origin: germline.
Comment: The p.A81S variant (also known as c.241G>T), located in coding exon 1 of the MC1R gene, results from a G to T substitution at nucleotide position 241. The alanine at codon 81 is replaced by serine, an amino acid with similar properties. This amino acid position is conserved. In addition, the in silico prediction for this alteration is inconclusive. Based on the available evidence, the clinical significance of this variant remains unclear.